The following is an entry in ClinVar:

NM_000426.4(LAMA2):c.85C>A (p.Arg29=)

Gene: LAMA2 (laminin subunit alpha 2; plus strand). Cytogenetic location: 6q22.33.
Variant type: single nucleotide variant.
Coding change: c.85C>A on transcript NM_000426.4 (MANE Select); coding-DNA position 85, C replaced by A.
Protein change: p.Arg29=; no amino-acid change (arginine 29 retained).
Molecular consequence: synonymous variant.
Genome position (GRCh38, 1-based): chr6:128,883,330, C>A. VCF-style: chr6-128883330-C-A. GRCh37 (hg19) VCF-style: chr6-129204475-C-A.
Other names: c.85C>A, p.Arg29= (NM_001079823.2).
Identifiers: ClinVar variation 1148559 (VCV001148559.33), dbSNP rs762102801, ClinGen allele CA3992206.

ClinVar aggregate classification (germline): Likely benign. Review status: criteria provided, multiple submitters, no conflicts (2 of 4 stars). 2 submissions from 2 submitters: Likely benign (2). Last evaluated 2023-11-06.

Conditions:
LAMA2-related muscular dystrophy (LAMA2-RD). Also called: Laminin alpha 2-related dystrophy. Identifiers: MedGen C5679788, MONDO:0100228.

Allele frequency attached by ClinVar (database versions not stated): gnomAD 0.00001; gnomAD exomes 0.00002; TOPMed 0.00002.
gnomAD v4.1: 18 of 1,598,768 alleles (0.0011%); highest among the groups gnomAD compares: South Asian, 0.015%; no homozygotes.

Submissions (2):

Labcorp Genetics (formerly Invitae), Labcorp
Classification: Likely benign for LAMA2-related muscular dystrophy. Last evaluated: 2023-11-06. Review status: criteria provided, single submitter. Criteria: Invitae Variant Classification Sherloc (09022015). Collection method: clinical testing. Allele origin: germline.

CeGaT Center for Human Genetics Tuebingen
Classification: Likely benign. Last evaluated: 2023-02-01. Review status: criteria provided, single submitter. Criteria: CeGaT Center For Human Genetics Tuebingen Variant Classification Criteria Version 2. Collection method: clinical testing. Allele origin: germline. Affected: yes. Observed: 1 variant allele.
Comment: LAMA2: BP4, BP7